The following is an entry in ClinVar:

ClinVar aggregate classification (germline): Uncertain significance. Review status: criteria provided, multiple submitters, no conflicts (2 of 4 stars). 3 submissions from 3 submitters: Uncertain significance (3). Last evaluated 2025-04-03.

Conditions:
Inborn genetic diseases. Identifiers: MedGen C0950123, MeSH D030342.

Allele frequency attached by ClinVar (database versions not stated): gnomAD 0.00001; ExAC 0.00002; gnomAD exomes 0.00002; 1000 Genomes Project 30x 0.00016; 1000 Genomes Project 0.00020.
gnomAD v4.1: 12 of 1,613,894 alleles (0.00074%); highest among the groups gnomAD compares: African/African-American, 0.0027%; no homozygotes.

Submissions (3):

Ambry Genetics
Classification: Uncertain significance for Inborn genetic diseases. Last evaluated: 2025-04-03. Review status: criteria provided, single submitter. Criteria: Ambry Variant Classification Scheme 2023. Collection method: clinical testing. Allele origin: germline.

Labcorp Genetics (formerly Invitae), Labcorp
Classification: Uncertain significance. Last evaluated: 2024-11-11. Review status: criteria provided, single submitter. Criteria: Invitae Variant Classification Sherloc (09022015). Collection method: clinical testing. Allele origin: germline.
Comment: This sequence change replaces arginine, which is basic and polar, with tryptophan, which is neutral and slightly polar, at codon 339 of the USH1C protein (p.Arg339Trp). This variant is present in population databases (rs200837155, gnomAD 0.01%). This variant has not been reported in the literature in individuals affected with USH1C-related conditions. ClinVar contains an entry for this variant (Variation ID: 1434232). An algorithm developed to predict the effect of missense changes on protein structure and function (PolyPhen-2) suggests that this variant is likely to be disruptive. In summary, the available evidence is currently insufficient to determine the role of this variant in disease. Therefore, it has been classified as a Variant of Uncertain Significance.

Blueprint Genetics
Classification: Uncertain significance. Last evaluated: 2020-12-08. Review status: criteria provided, single submitter. Criteria: ACMG Guidelines, 2015. Collection method: clinical testing. Allele origin: germline.

NM_153676.4(USH1C):c.1015C>T (p.Arg339Trp)

Gene: USH1C (USH1 protein network component harmonin; minus strand). Cytogenetic location: 11p15.1.
Variant type: single nucleotide variant.
Coding change: c.1015C>T on transcript NM_153676.4 (MANE Select); coding-DNA position 1015, C replaced by T.
Protein change: p.Arg339Trp; replaces arginine 339 with tryptophan.
Molecular consequence: missense variant. On other transcripts: non-coding transcript variant (1).
Genome position (GRCh38, 1-based): chr11:17,522,788, G>A on the plus strand (C>T on the coding strand, the complement: USH1C is on the minus strand). VCF-style: chr11-17522788-G-A. GRCh37 (hg19) VCF-style: chr11-17544335-G-A.
Other names: c.958C>T, p.Arg320Trp (NM_001297764.2); c.1015C>T, p.Arg339Trp (NM_005709.4); c.1015C>T (NM_005709.3); short protein forms R339W, R320W.
Identifiers: ClinVar variation 1434232 (VCV001434232.7), dbSNP rs200837155, ClinGen allele CA5904767.
Genomic context (GRCh38, chr11:17,522,788, plus strand): 5'-GGGTCGTGTGGTGGGGTGGGAGGCGGGACAGGGCATCCAGGGCTGGCTGCACTCACTGCC[G>A]CTCCATCTCCTGCTGCTCCTGGAGGATCTTGTTGGACTCCATCGCCAGCCGCTTCTGCAT-3'
Protein context (NP_710142.1, residues 329-349): KILQEQQEME[Arg339Trp]QRRKEIAQKA